The following is an entry in ClinVar:

NM_000179.3(MSH6):c.3311T>G (p.Phe1104Cys)

Gene: MSH6 (mutS homolog 6; plus strand). Cytogenetic location: 2p16.3.
Variant type: single nucleotide variant.
Coding change: c.3311T>G on transcript NM_000179.3 (MANE Select); coding-DNA position 3311, T replaced by G.
Protein change: p.Phe1104Cys; replaces phenylalanine 1104 with cysteine.
Molecular consequence: missense variant.
Genome position (GRCh38, 1-based): chr2:47,803,558, T>G. VCF-style: chr2-47803558-T-G. GRCh37 (hg19) VCF-style: chr2-48030697-T-G.
Other names: c.2921T>G, p.Phe974Cys (NM_001281492.2); c.2405T>G, p.Phe802Cys (NM_001281493.2, NM_001281494.2, NM_001406811.1 and 6 more transcripts); c.3407T>G, p.Phe1136Cys (NM_001406795.1, NM_001406802.1); c.3311T>G, p.Phe1104Cys (NM_001406796.1, NM_001406800.1, NM_001406808.1 and 1 more transcripts); c.3014T>G, p.Phe1005Cys (NM_001406797.1, NM_001406818.1, NM_001406819.1 and 10 more transcripts); c.2786T>G, p.Phe929Cys (NM_001406799.1, NM_001406806.1, NM_001406807.1); c.3317T>G, p.Phe1106Cys (NM_001406813.1); c.1745T>G, p.Phe582Cys (NM_001406817.1); and 6 more; short protein forms F1106C, F1136C, F974C, F31C, F419C, F929C, F1048C, F1104C.
Identifiers: ClinVar variation 1974796 (VCV001974796.5), dbSNP rs1553331534, ClinGen allele CA346758597.

ClinVar aggregate classification (germline): Uncertain significance (1 of 4 stars; one submission).

Conditions:
Hereditary nonpolyposis colorectal neoplasms. Identifiers: MedGen C0009405, MeSH D003123.

Submission:

Labcorp Genetics (formerly Invitae), Labcorp
Classification: Uncertain significance for Hereditary nonpolyposis colorectal neoplasms. Last evaluated: 2022-05-06. Review status: criteria provided, single submitter. Criteria: Invitae Variant Classification Sherloc (09022015). Collection method: clinical testing. Allele origin: germline.
Comment: This variant is not present in population databases (gnomAD no frequency). This sequence change replaces phenylalanine, which is neutral and non-polar, with cysteine, which is neutral and slightly polar, at codon 1104 of the MSH6 protein (p.Phe1104Cys). In summary, the available evidence is currently insufficient to determine the role of this variant in disease. Therefore, it has been classified as a Variant of Uncertain Significance. Advanced modeling of protein sequence and biophysical properties (such as structural, functional, and spatial information, amino acid conservation, physicochemical variation, residue mobility, and thermodynamic stability) performed at Invitae indicates that this missense variant is expected to disrupt MSH6 protein function. This variant has not been reported in the literature in individuals affected with MSH6-related conditions.